The following is an entry in ClinVar:

ClinVar aggregate classification (germline): Uncertain significance. Review status: criteria provided, multiple submitters, no conflicts (2 of 4 stars). 2 submissions from 2 submitters: Uncertain significance (2). Last evaluated 2021-11-05.

Allele frequency attached by ClinVar (database versions not stated): gnomAD exomes 0.00006 and 0.00017; gnomAD 0.00008 and 0.00009; TOPMed 0.00010; 1000 Genomes Project 30x 0.00016; ExAC 0.00017; 1000 Genomes Project 0.00020.
gnomAD v4.1: 98 of 1,596,168 alleles (0.0061%); highest among the groups gnomAD compares: Admixed American, 0.064%; no homozygotes.

Submissions (2):

Labcorp Genetics (formerly Invitae), Labcorp
Classification: Uncertain significance. Last evaluated: 2021-11-05. Review status: criteria provided, single submitter. Criteria: Invitae Variant Classification Sherloc (09022015). Collection method: clinical testing. Allele origin: germline.
Comment: This sequence change falls in intron 32 of the LRRK1 gene. It does not directly change the encoded amino acid sequence of the LRRK1 protein. It affects a nucleotide within the consensus splice site. This variant is present in population databases (rs542579330, gnomAD 0.07%). This variant has not been reported in the literature in individuals affected with LRRK1-related conditions. Variants that disrupt the consensus splice site are a relatively common cause of aberrant splicing (PMID: 17576681, 9536098). Algorithms developed to predict the effect of sequence changes on RNA splicing suggest that this variant may disrupt the consensus splice site. In summary, the available evidence is currently insufficient to determine the role of this variant in disease. Therefore, it has been classified as a Variant of Uncertain Significance.

Breakthrough Genomics
Classification: Uncertain significance. Review status: criteria provided, single submitter. Criteria: ACMG Guidelines, 2015. Collection method: not provided. Allele origin: germline. Inheritance: Autosomal recessive inheritance. Affected: yes.

Literature cited by the submitters: PubMed 17576681 (cited by Labcorp Genetics (formerly Invitae), Labcorp); PubMed 9536098 (cited by Labcorp Genetics (formerly Invitae), Labcorp).

NM_024652.6(LRRK1):c.5768+5G>A

Genes: LRRK1 (leucine rich repeat kinase 1; plus strand), LRRK1-AS1 (LRRK1 antisense RNA 1; minus strand). Cytogenetic location: 15q26.3.
Variant type: single nucleotide variant.
Coding change: c.5768+5G>A on transcript NM_024652.6 (MANE Select); 5 bases into the intron after coding-DNA position 5768, G replaced by A.
Molecular consequence: intron variant.
Genome position (GRCh38, 1-based): chr15:101,066,210, G>A. VCF-style: chr15-101066210-G-A. GRCh37 (hg19) VCF-style: chr15-101606415-G-A.
Identifiers: ClinVar variation 1434838 (VCV001434838.4), dbSNP rs542579330, ClinGen allele CA7762219.